The following is an entry in ClinVar:

NM_052925.4(LENG8):c.2250T>A (p.Pro750=)

Gene: LENG8 (leukocyte receptor cluster member 8; plus strand). Cytogenetic location: 19q13.42.
Variant type: single nucleotide variant.
Coding change: c.2250T>A on transcript NM_052925.4 (MANE Select); coding-DNA position 2250, T replaced by A.
Protein change: p.Pro750=; no amino-acid change (proline 750 retained).
Molecular consequence: synonymous variant. On other transcripts: 3 prime UTR variant (5).
Genome position (GRCh38, 1-based): chr19:54,460,775, T>A. VCF-style: chr19-54460775-T-A. GRCh37 (hg19) VCF-style: chr19-54971955-T-A.
Other names: NC_000019.9:g.54971955T>A; c.*1869T>A (NM_001375638.1, NM_001375639.1, NM_001375640.1 and 2 more transcripts).
Identifiers: ClinVar variation 3049268 (VCV003049268.3), dbSNP rs539586692, ClinGen allele CA309662152.

ClinVar aggregate classification (germline): Likely benign (0 of 4 stars; one submission).

Conditions:
LENG8-related disorder. Also called: LENG8-related condition.

Allele frequency attached by ClinVar (database versions not stated): TOPMed 0.00008.
gnomAD v4.1: 95 of 1,295,922 alleles (0.0073%); highest among the groups gnomAD compares: Non-Finnish European, 0.0087%; no homozygotes.

Submissions (2):

PreventionGenetics, part of Exact Sciences
Classification: Likely benign for LENG8-related condition. Last evaluated: 2019-03-27. Review status: no assertion criteria provided. Collection method: clinical testing. Allele origin: germline.
Comment: This variant is classified as likely benign based on ACMG/AMP sequence variant interpretation guidelines (Richards et al. 2015 PMID: 25741868, with internal and published modifications).

Dr. Peter K. Rogan Lab, Western University
No classification provided (evidence only). Condition: Cervical cancer. Review status: no classification provided. Collection method: in vitro. Allele origin: not applicable. Functional consequence: retained intron. Not counted in ClinVar's aggregate classification.